The following is an entry in ClinVar:

ClinVar aggregate classification (germline): Uncertain significance (1 of 4 stars; one submission).

Conditions:
Inborn genetic diseases. Identifiers: MedGen C0950123, MeSH D030342.

Submission:

Ambry Genetics
Classification: Uncertain significance for Inborn genetic diseases. Last evaluated: 2025-06-24. Review status: criteria provided, single submitter. Criteria: Ambry Variant Classification Scheme 2023. Collection method: clinical testing. Allele origin: germline.
Comment: The c.-1C>T variant is located in the 5' untranslated region (5&rsquo; UTR) of the ETV6 gene. This variant results from a C to T substitution 1 bases upstream from the first translated codon. This nucleotide position is well conserved in available vertebrate species. Based on the available evidence, the clinical significance of this variant remains unclear.

NM_001987.5(ETV6):c.-1C>T

Gene: ETV6 (ETS variant transcription factor 6; plus strand). Cytogenetic location: 12p13.2.
Variant type: single nucleotide variant.
Coding change: c.-1C>T on transcript NM_001987.5 (MANE Select); 1 bases upstream of the start codon, C replaced by T.
Molecular consequence: 5 prime UTR variant.
Genome position (GRCh38, 1-based): chr12:11,650,127, C>T. VCF-style: chr12-11650127-C-T. GRCh37 (hg19) VCF-style: chr12-11803061-C-T.
Other names: c.-1C>T (NM_001413913.1, NM_001413916.1, NM_001413917.1 and 1 more transcripts); c.-153C>T (NM_001413914.1); c.-135C>T (NM_001413915.1).
Identifiers: ClinVar variation 4251436 (VCV004251436.1).